The following is an entry in ClinVar:

NM_020975.6(RET):c.3027G>A (p.Met1009Ile)

Gene: RET (ret proto-oncogene; plus strand). Cytogenetic location: 10q11.21.
Variant type: single nucleotide variant.
Coding change: c.3027G>A on transcript NM_020975.6 (MANE Select); coding-DNA position 3027, G replaced by A.
Protein change: p.Met1009Ile; replaces methionine 1009 with isoleucine.
Molecular consequence: missense variant.
Genome position (GRCh38, 1-based): chr10:43,124,970, G>A. VCF-style: chr10-43124970-G-A. GRCh37 (hg19) VCF-style: chr10-43620418-G-A.
Other names: c.3027G>A, p.Met1009Ile (NM_001406744.1, NM_001406759.1, NM_001406760.1 and 4 more transcripts); c.2898G>A, p.Met966Ile (NM_001406764.1, NM_001406761.1, NM_001406762.1); c.2892G>A, p.Met964Ile (NM_001406765.1, NM_001406763.1); c.2739G>A, p.Met913Ile (NM_001406766.1, NM_001406767.1, NM_001406770.1); c.2265G>A, p.Met755Ile (NM_001355216.2); c.2763G>A, p.Met921Ile (NM_001406768.1); c.2631G>A, p.Met877Ile (NM_001406769.1, NM_001406772.1); c.2589G>A, p.Met863Ile (NM_001406771.1, NM_001406773.1); and 10 more; short protein forms M1009I, M755I, M665I, M667I, M913I, M921I, M574I, M614I.
Identifiers: ClinVar variation 570387 (VCV000570387.17), dbSNP rs1007307889, ClinGen allele CA206267565.
Genomic context (GRCh38, chr10:43,124,970, plus strand): 5'-GCAGGAGCCGGACAAAAGGCCGGTGTTTGCGGACATCAGCAAAGACCTGGAGAAGATGAT[G>A]GTTAAGAGGAGAGTGAGTGCCTGGGTCCAATTCCCACAAGCTGAAAGTGGCTTGGGGAGA-3'
Protein context (NP_066124.1, residues 999-1019): ADISKDLEKM[Met1009Ile]VKRRDYLDLA

ClinVar aggregate classification (germline): Uncertain significance. Review status: criteria provided, multiple submitters, no conflicts (2 of 4 stars). 5 submissions from 5 submitters: Uncertain significance (5). Last evaluated 2025-10-21.

Conditions:
Hereditary cancer-predisposing syndrome. Also called: Hereditary neoplastic syndrome; Tumor predisposition; Neoplastic Syndromes, Hereditary; Hereditary Cancer Syndrome. Identifiers: Orphanet 140162, MedGen C0027672, MeSH D009386, MONDO:0015356.
Multiple endocrine neoplasia, type 2 (MEN2). Identifiers: Orphanet 653, MedGen C4048306, MONDO:0019003. Disease mechanism: gain of function.
Hirschsprung disease, susceptibility to, 1 (HSCR1). Also called: RET-Related Hirschsprung Disease. Identifiers: Orphanet 388, MedGen C3888239, MONDO:0007723, OMIM 142623.

Allele frequency attached by ClinVar (database versions not stated): gnomAD exomes below 0.00001; gnomAD 0.00001; TOPMed 0.00002.

Submissions (5):

Labcorp Genetics (formerly Invitae), Labcorp
Classification: Uncertain significance for Multiple endocrine neoplasia, type 2. Last evaluated: 2025-10-21. Review status: criteria provided, single submitter. Criteria: Invitae Variant Classification Sherloc (09022015). Collection method: clinical testing. Allele origin: germline.
Comment: This sequence change replaces methionine, which is neutral and non-polar, with isoleucine, which is neutral and non-polar, at codon 1009 of the RET protein (p.Met1009Ile). This variant is not present in population databases (gnomAD no frequency). This variant has not been reported in the literature in individuals affected with RET-related conditions. ClinVar contains an entry for this variant (Variation ID: 570387). An algorithm developed to predict the effect of missense changes on protein structure and function (PolyPhen-2) suggests that this variant is likely to be tolerated. In summary, the available evidence is currently insufficient to determine the role of this variant in disease. Therefore, it has been classified as a Variant of Uncertain Significance.

Ambry Genetics
Classification: Uncertain significance for Hereditary cancer-predisposing syndrome. Last evaluated: 2025-09-18. Review status: criteria provided, single submitter. Criteria: Ambry Variant Classification Scheme 2023. Collection method: clinical testing. Allele origin: germline.
Comment: The p.M1009I variant (also known as c.3027G>A), located in coding exon 18 of the RET gene, results from a G to A substitution at nucleotide position 3027. The methionine at codon 1009 is replaced by isoleucine, an amino acid with highly similar properties. This amino acid position is highly conserved in available vertebrate species. In addition, the in silico prediction for this alteration is inconclusive. Since supporting evidence is limited at this time, the clinical significance of this alteration remains unclear.

Quest Diagnostics Nichols Institute San Juan Capistrano
Classification: Uncertain significance. Last evaluated: 2025-01-02. Review status: criteria provided, single submitter. Criteria: Quest Diagnostics criteria. Collection method: clinical testing. Allele origin: unknown.

Baylor Genetics
Classification: Uncertain significance for Hirschsprung disease, susceptibility to, 1. Last evaluated: 2023-08-24. Review status: criteria provided, single submitter. Criteria: ACMG Guidelines, 2015. Collection method: clinical testing. Allele origin: unknown.

Sema4
Classification: Uncertain significance for Hereditary cancer-predisposing syndrome. Last evaluated: 2021-07-23. Review status: criteria provided, single submitter. Criteria: Sema4 Curation Guidelines. Collection method: curation. Allele origin: germline.
Comment: The RET c.3027G>A (p.M1009I) variant has not been reported in the literature to our knowledge. It was not observed in the large and broad cohorts of the Genome Aggregation Database (PMID: 32461654). The variant has been reported in ClinVar (Variation ID 570387). Functional studies have not been performed and in silico predictions of the variant's effect on protein function are inconclusive. The evidence is insufficient to meet ACMG/AMP criteria for classifying the variant as benign or pathogenic. Thus, the clinical significance of this variant is currently uncertain.